The following is an entry in ClinVar:

ClinVar aggregate classification (germline): Benign. Review status: criteria provided, multiple submitters, no conflicts (2 of 4 stars). 5 submissions from 5 submitters: Benign (4). 1 of the submissions does not count toward it. Last evaluated 2026-02-04.

Conditions:
Epilepsy. Also called: Seizure disorder. Identifiers: MedGen C0014544, MeSH D004827, MONDO:0005027.
PIGQ-related disorder. Also called: PIGQ-related condition.
Developmental and epileptic encephalopathy, 77. Also called: GLYCOSYLPHOSPHATIDYLINOSITOL BIOSYNTHESIS DEFECT 19; MULTIPLE CONGENITAL ANOMALIES-HYPOTONIA-SEIZURES SYNDROME 4; EPILEPTIC ENCEPHALOPATHY, EARLY INFANTILE, 77. Identifiers: MedGen C5231405, MONDO:0032808, OMIM 618548.

Allele frequency attached by ClinVar (database versions not stated): TOPMed 0.00350; gnomAD 0.00364 and 0.00397; 1000 Genomes Project 0.00399; 1000 Genomes Project 30x 0.00437; gnomAD exomes 0.00545; ESP Exome Variant Server 0.00547; ExAC 0.01357.
gnomAD v4.1: 9,755 of 1,584,596 alleles (0.62%); highest among the groups gnomAD compares: South Asian, 1.9%; 54 homozygotes.

Submissions (5):

Labcorp Genetics (formerly Invitae), Labcorp
Classification: Benign for Epilepsy. Last evaluated: 2026-02-04. Review status: criteria provided, single submitter. Criteria: Invitae Variant Classification Sherloc (09022015). Collection method: clinical testing. Allele origin: germline.

ARUP Laboratories, Molecular Genetics and Genomics, ARUP Laboratories
Classification: Benign for Developmental and epileptic encephalopathy, 77. Last evaluated: 2024-11-12. Review status: criteria provided, single submitter. Criteria: ARUP Molecular Germline Variant Investigation Process 2024. Collection method: clinical testing. Allele origin: germline.

Mayo Clinic Laboratories, Mayo Clinic
Classification: Benign. Last evaluated: 2024-08-14. Review status: criteria provided, single submitter. Criteria: ACMG Guidelines, 2015. Collection method: clinical testing. Allele origin: germline. Observed: 4 variant alleles.
Comment: BA1, BP4, BP7

Breakthrough Genomics
Classification: Benign. Review status: criteria provided, single submitter. Criteria: ACMG Guidelines, 2015. Collection method: not provided. Allele origin: germline. Inheritance: Autosomal recessive inheritance. Affected: yes.

PreventionGenetics, part of Exact Sciences
Classification: Benign for PIGQ-related condition. Last evaluated: 2024-02-01. Review status: no assertion criteria provided. Collection method: clinical testing. Allele origin: germline. Not counted in ClinVar's aggregate classification.
Comment: This variant is classified as benign based on ACMG/AMP sequence variant interpretation guidelines (Richards et al. 2015 PMID: 25741868, with internal and published modifications).

NM_004204.5(PIGQ):c.810C>T (p.Ala270=)

Gene: PIGQ (phosphatidylinositol glycan anchor biosynthesis class Q; plus strand). Cytogenetic location: 16p13.3.
Variant type: single nucleotide variant.
Coding change: c.810C>T on transcript NM_004204.5 (MANE Select); coding-DNA position 810, C replaced by T.
Protein change: p.Ala270=; no amino-acid change (alanine 270 retained).
Molecular consequence: synonymous variant.
Genome position (GRCh38, 1-based): chr16:575,959, C>T. VCF-style: chr16-575959-C-T. GRCh37 (hg19) VCF-style: chr16-625959-C-T.
Other names: p.Ala270=; c.810C>T, p.Ala270= (NM_148920.4); c.810C>T (NM_004204.4).
Identifiers: ClinVar variation 456054 (VCV000456054.16), dbSNP rs35227916, ClinGen allele CA7779979.